The following is an entry in ClinVar:

NM_007144.3(PCGF2):c.276A>C (p.Lys92Asn)

Gene: PCGF2 (polycomb group ring finger 2; minus strand). Cytogenetic location: 17q12.
Variant type: single nucleotide variant.
Coding change: c.276A>C on transcript NM_007144.3 (MANE Select); coding-DNA position 276, A replaced by C.
Protein change: p.Lys92Asn; replaces lysine 92 with asparagine.
Molecular consequence: missense variant.
Genome position (GRCh38, 1-based): chr17:38,739,108, T>G on the plus strand (A>C on the coding strand, the complement: PCGF2 is on the minus strand). VCF-style: chr17-38739108-T-G. GRCh37 (hg19) VCF-style: chr17-36895361-T-G.
Other names: c.276A>C, p.Lys92Asn (NM_001369614.1, NM_001369615.1); short protein forms K92N.
Identifiers: ClinVar variation 4743559 (VCV004743559.1).

ClinVar aggregate classification (germline): Uncertain significance (1 of 4 stars; one submission).

Submission:

Labcorp Genetics (formerly Invitae), Labcorp
Classification: Uncertain significance. Last evaluated: 2025-04-19. Review status: criteria provided, single submitter. Criteria: Invitae Variant Classification Sherloc (09022015). Collection method: clinical testing. Allele origin: germline.
Comment: This sequence change replaces lysine, which is basic and polar, with asparagine, which is neutral and polar, at codon 92 of the PCGF2 protein (p.Lys92Asn). This variant is not present in population databases (gnomAD no frequency). This variant has not been reported in the literature in individuals affected with PCGF2-related conditions. Invitae Evidence Modeling of protein sequence and biophysical properties (such as structural, functional, and spatial information, amino acid conservation, physicochemical variation, residue mobility, and thermodynamic stability) has been performed for this missense variant. However, the output from this modeling did not meet the statistical confidence thresholds required to predict the impact of this variant on PCGF2 protein function. In summary, the available evidence is currently insufficient to determine the role of this variant in disease. Therefore, it has been classified as a Variant of Uncertain Significance.